The following is an entry in ClinVar:

ClinVar aggregate classification (germline): Uncertain significance (1 of 4 stars; one submission).

Conditions:
Hereditary cancer-predisposing syndrome. Also called: Neoplastic Syndromes, Hereditary; Hereditary Cancer Syndrome; Tumor predisposition; Hereditary neoplastic syndrome. Identifiers: Orphanet 140162, MedGen C0027672, MeSH D009386, MONDO:0015356.

Submission:

Ambry Genetics
Classification: Uncertain significance for Hereditary cancer-predisposing syndrome. Last evaluated: 2024-12-12. Review status: criteria provided, single submitter. Criteria: Ambry Variant Classification Scheme 2023. Collection method: clinical testing. Allele origin: germline.
Comment: The c.4356dupG variant, located in coding exon 34 of the POLE gene, results from a duplication of G at nucleotide position 4356, causing a translational frameshift with a predicted alternate stop codon (p.R1453Efs*14). This alteration is expected to result in loss of function by premature protein truncation or nonsense-mediated mRNA decay. Loss-of-function variants subject to nonsense mediated decay (NMD) in POLE are known to cause POLE-deficiency; however, such associations with POLE-related polymerase proofreading-associated polyposis (PPAP) have not been reported. Based on the supporting evidence, this alteration is pathogenic for POLE-deficiency; however, the association of this alteration with POLE-related polymerase proofreading-associated polyposis (PPAP) is unknown.

NM_006231.4(POLE):c.4356dup (p.Arg1453fs)

Gene: POLE (DNA polymerase epsilon, catalytic subunit; minus strand). Cytogenetic location: 12q24.33.
Variant type: Duplication.
Coding change: c.4356dup on transcript NM_006231.4 (MANE Select); coding-DNA position 4356, one base duplicated (G; older notation c.4356dupG).
Protein change: p.Arg1453fs; shifts the reading frame from arginine 1453.
Molecular consequence: frameshift variant.
Genome position (GRCh38, 1-based): chr12:132,643,495, C duplicated on the plus strand (G on the coding strand, the reverse complement: POLE is on the minus strand). VCF-style (leftmost placement, unchanged base first): chr12-132643494-T-TC. GRCh37 (hg19) VCF-style: chr12-133220080-T-TC.
Other names: short protein forms R1453fs.
Identifiers: ClinVar variation 3781523 (VCV003781523.1).
Genomic context (GRCh38, chr12:132,643,494, plus strand): 5'-GAGAGCGCATCTCCAGGTGCTCAAGAGCAAAGGTCTCTGCTTCCCAGCCTGAAAGGTGCC[T>TC]CACCAGCTGTTTATTGACCACACACACACAGCCCAGGTGCACCAGGGCCCGGAACAGTAA-3'